The following is an entry in ClinVar:

ClinVar aggregate classification (germline): Uncertain significance. Review status: criteria provided, multiple submitters, no conflicts (2 of 4 stars). 3 submissions from 3 submitters: Uncertain significance (3). Last evaluated 2026-05-01.

Conditions:
PCNT-related disorder. Also called: PCNT-related condition.
Inborn genetic diseases. Identifiers: MedGen C0950123, MeSH D030342.

gnomAD v4.1: 8 of 1,613,966 alleles (0.0005%); highest among the groups gnomAD compares: African/African-American, 0.0027%; no homozygotes.

Submissions (3):

CeGaT Center for Human Genetics Tuebingen
Classification: Uncertain significance. Last evaluated: 2026-05-01. Review status: criteria provided, single submitter. Criteria: CeGaT Center For Human Genetics Tuebingen Variant Classification Criteria Version 2. Collection method: clinical testing. Allele origin: germline. Affected: yes. Observed: 1 variant allele.
Comment: PCNT: PM2, BP4

PreventionGenetics, part of Exact Sciences
Classification: Uncertain significance for PCNT-related condition. Last evaluated: 2025-09-18. Review status: criteria provided, single submitter. Criteria: ACMG Guidelines, 2015. Collection method: clinical testing. Allele origin: germline.
Comment: The PCNT c.7337G>T variant is predicted to result in the amino acid substitution p.Cys2446Phe. To our knowledge, this variant has not been reported in the literature or in a large population database, indicating this variant is rare. At this time, the clinical significance of this variant is uncertain due to the absence of conclusive functional and genetic evidence.

Ambry Genetics
Classification: Uncertain significance for Inborn genetic diseases. Last evaluated: 2022-04-06. Review status: criteria provided, single submitter. Criteria: Ambry Variant Classification Scheme 2023. Collection method: clinical testing. Allele origin: germline.

NM_006031.6(PCNT):c.7337G>T (p.Cys2446Phe)

Gene: PCNT (pericentrin; plus strand). Cytogenetic location: 21q22.3.
Variant type: single nucleotide variant.
Coding change: c.7337G>T on transcript NM_006031.6 (MANE Select); coding-DNA position 7337, G replaced by T.
Protein change: p.Cys2446Phe; replaces cysteine 2446 with phenylalanine.
Molecular consequence: missense variant.
Genome position (GRCh38, 1-based): chr21:46,427,638, G>T. VCF-style: chr21-46427638-G-T. GRCh37 (hg19) VCF-style: chr21-47847552-G-T.
Other names: c.6983G>T, p.Cys2328Phe (NM_001315529.2); short protein forms C2328F, C2446F.
Identifiers: ClinVar variation 2369281 (VCV002369281.6), dbSNP rs2087564706, ClinGen allele CA410568624.
Genomic context (GRCh38, chr21:46,427,638, plus strand): 5'-AGGTGCATTTGTGAGGACGCCACGTTTCTTCCTTCTTCCTTTAGGAAGTGCCCACCGCGT[G>T]CCCCGATTGGAGAGGGGACCTTCTGCAGGTTGTGCAAGAGGCCTTTGAAAAAGAGCAGGA-3'
Protein context (NP_006022.3, residues 2436-2456): GGKTQEVPTA[Cys2446Phe]PDWRGDLLQV